The following is an entry in ClinVar:

ClinVar aggregate classification (germline): Likely pathogenic (3 of 4 stars; one submission).

Conditions:
Monogenic diabetes. Identifiers: Orphanet 183625, MedGen C3888631, MONDO:0015967.

gnomAD v4.1: 1 of 1,613,810 alleles (0.000062%); highest among the groups gnomAD compares: Non-Finnish European, 0.000085%; no homozygotes.

Submission:

ClinGen Monogenic Diabetes Variant Curation Expert Panel
Classification: Likely pathogenic for Monogenic diabetes. Last evaluated: 2025-02-07. Review status: reviewed by expert panel. Criteria: ClinGen Diabetes ACMG Specifications HNF1A V2.1.0. Collection method: curation. Allele origin: germline. Inheritance: Autosomal dominant inheritance.
Comment: The c.1623+2T>C variant in the HNF1 homeobox A gene, HNF1A, is predicted to remove a canonical splice donor site in intron 8 of NM_000545.8. This variant is predicted to cause skipping of biologically-relevant exon 8 of 10, resulting in a frameshift, leading to nonsense mediated decay in a gene in which loss-of-function is an established disease mechanism (PVS1; PMID: 23348805). This variant is absent from gnomAD v2.1.1 (PM2_Supporting). This variant was identified in two unrelated individuals with non-autoimmune and non-absolute/near-absolute insulin-deficient diabetes; however, PS4_Moderate cannot be applied because this number is below the ClinGen MDEP threshold (internal lab contributors). The MODY probability in one case is unable to be calculated due to lack of information about when insulin was started, and therefore PP4 cannot be applied. In the other case, the calculated MODY probability was >50%; however, HNF4A was not tested, and therefore PP4 cannot be applied. In summary, c.1623+2T>C meets the criteria to be classified as likely pathogenic for monogenic diabetes. ACMG/AMP criteria applied, as specified by the ClinGen MDEP (specification version 2.1.0, approved 8/11/2023): PVS1, PM2_Supporting.

Literature cited by the submitters: PubMed 23348805.

NM_000545.8(HNF1A):c.1623+2T>C

Gene: HNF1A (HNF1 homeobox A; plus strand). Cytogenetic location: 12q24.31.
Variant type: single nucleotide variant.
Coding change: c.1623+2T>C on transcript NM_000545.8 (MANE Select); the canonical splice donor site of the intron after coding-DNA position 1623, T replaced by C.
Molecular consequence: splice donor variant.
Genome position (GRCh38, 1-based): chr12:120,999,391, T>C. VCF-style: chr12-120999391-T-C. GRCh37 (hg19) VCF-style: chr12-121437194-T-C.
Other names: NM_001306179.2:c.1623+2T>C; c.1623+2T>C (NM_001306179.2); c.1431+2T>C (NM_001406915.1).
Identifiers: ClinVar variation 3338659 (VCV003338659.2).